The following is an entry in ClinVar:

ClinVar aggregate classification (germline): Uncertain significance. Review status: criteria provided, multiple submitters, no conflicts (2 of 4 stars). 2 submissions from 2 submitters: Uncertain significance (2). Last evaluated 2025-10-14.

Conditions:
Inborn genetic diseases. Identifiers: MedGen C0950123, MeSH D030342.

gnomAD v4.1: 17 of 1,548,884 alleles (0.0011%); highest among the groups gnomAD compares: Middle Eastern, 0.051%; no homozygotes.

Submissions (2):

Ambry Genetics
Classification: Uncertain significance for Inborn genetic diseases. Last evaluated: 2025-10-14. Review status: criteria provided, single submitter. Criteria: Ambry Variant Classification Scheme 2023. Collection method: clinical testing. Allele origin: germline.

GeneDx
Classification: Uncertain significance. Last evaluated: 2025-02-03. Review status: criteria provided, single submitter. Criteria: GeneDx Variant Classification Process June 2021. Collection method: clinical testing. Allele origin: germline. Affected: yes.
Comment: Not observed at significant frequency in large population cohorts (gnomAD); In silico analysis supports that this missense variant has a deleterious effect on protein structure/function; Has not been previously published as pathogenic or benign to our knowledge

NM_032119.4(ADGRV1):c.533A>G (p.Tyr178Cys)

Gene: ADGRV1 (adhesion G protein-coupled receptor V1; plus strand). Cytogenetic location: 5q14.3.
Variant type: single nucleotide variant.
Coding change: c.533A>G on transcript NM_032119.4 (MANE Select); coding-DNA position 533, A replaced by G.
Protein change: p.Tyr178Cys; replaces tyrosine 178 with cysteine.
Molecular consequence: missense variant. On other transcripts: non-coding transcript variant (1).
Genome position (GRCh38, 1-based): chr5:90,622,676, A>G. VCF-style: chr5-90622676-A-G. GRCh37 (hg19) VCF-style: chr5-89918493-A-G.
Other names: short protein forms Y178C.
Identifiers: ClinVar variation 4072696 (VCV004072696.2).